The following is an entry in ClinVar:

ClinVar aggregate classification (germline): Uncertain significance (1 of 4 stars; one submission).

Conditions:
Norman-Roberts syndrome (LIS2). Also called: Lissencephaly 2 (Norman-Roberts type). Identifiers: Orphanet 89844, MedGen C0796089, MONDO:0009760, OMIM 257320.
Familial temporal lobe epilepsy 7. Identifiers: Orphanet 101046, MedGen C4225327, MONDO:0014639, OMIM 616436.

gnomAD v4.1: 38 of 1,614,028 alleles (0.0024%); highest among the groups gnomAD compares: Non-Finnish European, 0.0031%; no homozygotes.

Submission:

Labcorp Genetics (formerly Invitae), Labcorp
Classification: Uncertain significance for Familial temporal lobe epilepsy 7; Norman-Roberts syndrome. Last evaluated: 2025-05-17. Review status: criteria provided, single submitter. Criteria: Invitae Variant Classification Sherloc (09022015). Collection method: clinical testing. Allele origin: germline.
Comment: This sequence change replaces arginine, which is basic and polar, with glutamine, which is neutral and polar, at codon 1576 of the RELN protein (p.Arg1576Gln). The frequency data for this variant in the population databases is considered unreliable, as metrics indicate poor data quality at this position in the gnomAD database. This missense change has been observed in individual(s) with a neurodevelopmental disorder (PMID: 33004838). ClinVar contains an entry for this variant (Variation ID: 3753906). Invitae Evidence Modeling of protein sequence and biophysical properties (such as structural, functional, and spatial information, amino acid conservation, physicochemical variation, residue mobility, and thermodynamic stability) has been performed for this missense variant. However, the output from this modeling did not meet the statistical confidence thresholds required to predict the impact of this variant on RELN protein function. In summary, the available evidence is currently insufficient to determine the role of this variant in disease. Therefore, it has been classified as a Variant of Uncertain Significance.

Literature cited by the submitters: PubMed 33004838.

NM_005045.4(RELN):c.4727G>A (p.Arg1576Gln)

Gene: RELN (reelin; minus strand). Cytogenetic location: 7q22.1.
Variant type: single nucleotide variant.
Coding change: c.4727G>A on transcript NM_005045.4 (MANE Select); coding-DNA position 4727, G replaced by A.
Protein change: p.Arg1576Gln; replaces arginine 1576 with glutamine.
Molecular consequence: missense variant.
Genome position (GRCh38, 1-based): chr7:103,566,621, C>T on the plus strand (G>A on the coding strand, the complement: RELN is on the minus strand). VCF-style: chr7-103566621-C-T. GRCh37 (hg19) VCF-style: chr7-103207068-C-T.
Other names: c.4727G>A, p.Arg1576Gln (NM_173054.3); short protein forms R1576Q.
Identifiers: ClinVar variation 3753906 (VCV003753906.2).